The following is an entry in ClinVar:

NM_019842.4(KCNQ5):c.305G>C (p.Cys102Ser)

Genes: KCNQ5 (potassium voltage-gated channel subfamily Q member 5; plus strand), KCNQ5-DT (KCNQ5 divergent transcript; minus strand). Cytogenetic location: 6q13.
Variant type: single nucleotide variant.
Coding change: c.305G>C on transcript NM_019842.4 (MANE Select); coding-DNA position 305, G replaced by C.
Protein change: p.Cys102Ser; replaces cysteine 102 with serine.
Molecular consequence: missense variant.
Genome position (GRCh38, 1-based): chr6:72,622,494, G>C. VCF-style: chr6-72622494-G-C. GRCh37 (hg19) VCF-style: chr6-73332222-G-C.
Other names: c.305G>C, p.Cys102Ser (NM_001160130.2, NM_001160132.2, NM_001160133.2 and 1 more transcripts); short protein forms C102S.
Identifiers: ClinVar variation 2857128 (VCV002857128.3), dbSNP rs2481569703, ClinGen allele CA364824568.

ClinVar aggregate classification (germline): Uncertain significance (1 of 4 stars; one submission).

Submission:

Labcorp Genetics (formerly Invitae), Labcorp
Classification: Uncertain significance. Last evaluated: 2023-04-17. Review status: criteria provided, single submitter. Criteria: Invitae Variant Classification Sherloc (09022015). Collection method: clinical testing. Allele origin: germline.
Comment: In summary, the available evidence is currently insufficient to determine the role of this variant in disease. Therefore, it has been classified as a Variant of Uncertain Significance. Advanced modeling of protein sequence and biophysical properties (such as structural, functional, and spatial information, amino acid conservation, physicochemical variation, residue mobility, and thermodynamic stability) performed at Invitae indicates that this missense variant is not expected to disrupt KCNQ5 protein function. This variant has not been reported in the literature in individuals affected with KCNQ5-related conditions. This variant is not present in population databases (gnomAD no frequency). This sequence change replaces cysteine, which is neutral and slightly polar, with serine, which is neutral and polar, at codon 102 of the KCNQ5 protein (p.Cys102Ser).